The following is an entry in ClinVar:

ClinVar aggregate classification (germline): Uncertain significance (1 of 4 stars; one submission).

Submission:

Women's Health and Genetics/Laboratory Corporation of America, LabCorp
Classification: Uncertain significance. Last evaluated: 2025-10-17. Review status: criteria provided, single submitter. Criteria: LabCorp Variant Classification Summary - May 2015. Collection method: clinical testing. Allele origin: germline.
Comment: Variant summary: CPLANE1 c.-47-3C>T alters a non-conserved nucleotide located close to a canonical splice site and therefore could affect mRNA splicing, leading to a significantly altered protein sequence. Consensus agreement among computation tools predict no significant impact on normal splicing. However, these predictions have yet to be confirmed by functional studies. The variant was absent in 124828 control chromosomes. The available data on variant occurrences in the general population are insufficient to allow any conclusion about variant significance. c.-47-3C>T has been observed in one individual affected with oralfacialdigital syndrome type VI (Dordoni_2019). These report(s) do not provide unequivocal conclusions about association of the variant with Joubert Syndrome And Related Disorders. To our knowledge, no experimental evidence demonstrating an impact on protein function has been reported. The following publication has been ascertained in the context of this evaluation (PMID: 31158925). No submitters have cited clinical-significance assessments for this variant to ClinVar. Based on the evidence outlined above, the variant was classified as uncertain significance.

Literature cited by the submitters: PubMed 31158925.

NM_001384732.1(CPLANE1):c.-47-3C>T

Gene: CPLANE1 (ciliogenesis and planar polarity effector complex subunit 1; minus strand). Cytogenetic location: 5p13.2.
Variant type: single nucleotide variant.
Coding change: c.-47-3C>T on transcript NM_001384732.1 (MANE Select); 3 bases into the intron before 47 bases upstream of the start codon, C replaced by T.
Molecular consequence: intron variant.
Genome position (GRCh38, 1-based): chr5:37,247,748, G>A on the plus strand (C>T on the coding strand, the complement: CPLANE1 is on the minus strand). VCF-style: chr5-37247748-G-A. GRCh37 (hg19) VCF-style: chr5-37247850-G-A.
Other names: c.-47-3C>T (NM_023073.4).
Identifiers: ClinVar variation 4687224 (VCV004687224.1).
Genomic context (GRCh38, chr5:37,247,748, plus strand): 5'-CTTATCTCCATGTTTGTTAAGCTATCAATGACCAATTAAGTAAAACAGTCCCAAGATTCT[G>A]TAAACAATAATAGTAATAAAATATAAATGATGCATAATATTCACTGGGCATTTTTTTTTT-3'